The following is an entry in ClinVar:

NM_000083.3(CLCN1):c.1353C>A (p.His451Gln)

Gene: CLCN1 (chloride voltage-gated channel 1; plus strand). Cytogenetic location: 7q34.
Variant type: single nucleotide variant.
Coding change: c.1353C>A on transcript NM_000083.3 (MANE Select); coding-DNA position 1353, C replaced by A.
Protein change: p.His451Gln; replaces histidine 451 with glutamine.
Molecular consequence: missense variant.
Genome position (GRCh38, 1-based): chr7:143,332,825, C>A. VCF-style: chr7-143332825-C-A. GRCh37 (hg19) VCF-style: chr7-143029918-C-A.
Other names: short protein forms H451Q.
Identifiers: ClinVar variation 2195795 (VCV002195795.4), dbSNP rs371101698, ClinGen allele CA369644253.

ClinVar aggregate classification (germline): Uncertain significance (1 of 4 stars; one submission).

Conditions:
Congenital myotonia, autosomal dominant form (THD). Also called: THOMSEN DISEASE; Myotonia congenita autosomal dominant. Identifiers: Orphanet 614, MedGen C2936781, MONDO:0008055, OMIM 160800.
Congenital myotonia, autosomal recessive form. Also called: BECKER DISEASE; myotonia congenita, autosomal recessive; Becker Generalized Myotonia. Identifiers: Orphanet 614, MedGen C0751360, MONDO:0009715, OMIM 255700.

gnomAD v4.1: 1 of 1,614,036 alleles (0.000062%); highest among the groups gnomAD compares: Middle Eastern, 0.016%; no homozygotes.

Submission:

Labcorp Genetics (formerly Invitae), Labcorp
Classification: Uncertain significance for Congenital myotonia, autosomal recessive form; Congenital myotonia, autosomal dominant form. Last evaluated: 2025-08-17. Review status: criteria provided, single submitter. Criteria: Invitae Variant Classification Sherloc (09022015). Collection method: clinical testing. Allele origin: germline.
Comment: This sequence change replaces histidine, which is basic and polar, with glutamine, which is neutral and polar, at codon 451 of the CLCN1 protein (p.His451Gln). This variant is not present in population databases (gnomAD no frequency). This variant has not been reported in the literature in individuals affected with CLCN1-related conditions. ClinVar contains an entry for this variant (Variation ID: 2195795). Invitae Evidence Modeling of protein sequence and biophysical properties (such as structural, functional, and spatial information, amino acid conservation, physicochemical variation, residue mobility, and thermodynamic stability) has been performed for this missense variant. However, the output from this modeling did not meet the statistical confidence thresholds required to predict the impact of this variant on CLCN1 protein function. In summary, the available evidence is currently insufficient to determine the role of this variant in disease. Therefore, it has been classified as a Variant of Uncertain Significance.